The following is an entry in ClinVar:

NM_025074.7(FRAS1):c.395C>T (p.Pro132Leu)

Gene: FRAS1 (Fraser extracellular matrix complex subunit 1; plus strand). Cytogenetic location: 4q21.21.
Variant type: single nucleotide variant.
Coding change: c.395C>T on transcript NM_025074.7 (MANE Select); coding-DNA position 395, C replaced by T.
Protein change: p.Pro132Leu; replaces proline 132 with leucine.
Molecular consequence: missense variant.
Genome position (GRCh38, 1-based): chr4:78,252,477, C>T. VCF-style: chr4-78252477-C-T. GRCh37 (hg19) VCF-style: chr4-79173631-C-T.
Other names: c.395C>T, p.Pro132Leu (NM_001166133.2); short protein forms P132L.
Identifiers: ClinVar variation 349658 (VCV000349658.12), dbSNP rs376122558, ClinGen allele CA2975933.

ClinVar aggregate classification (germline): Uncertain significance. Review status: criteria provided, multiple submitters, no conflicts (2 of 4 stars). 6 submissions from 6 submitters: Uncertain significance (6). Last evaluated 2025-05-20.

Conditions:
FRAS1-related disorder. Also called: FRAS1-related condition.
Inborn genetic diseases. Identifiers: MedGen C0950123, MeSH D030342.
Fraser syndrome 1 (FRASRS1). Also called: CRYPTOPHTHALMOS WITH OTHER MALFORMATIONS. Identifiers: Orphanet 2052, MedGen C4551480, MONDO:0054737, OMIM 219000.

Allele frequency attached by ClinVar (database versions not stated): gnomAD 0.00017 and 0.00016; ESP Exome Variant Server 0.00033; gnomAD exomes 0.00006; ExAC 0.00010; TOPMed 0.00016.

Submissions (6):

Ambry Genetics
Classification: Uncertain significance for Inborn genetic diseases. Last evaluated: 2025-05-20. Review status: criteria provided, single submitter. Criteria: Ambry Variant Classification Scheme 2023. Collection method: clinical testing. Allele origin: germline.

PreventionGenetics, part of Exact Sciences
Classification: Uncertain significance for FRAS1-related condition. Last evaluated: 2024-11-25. Review status: criteria provided, single submitter. Criteria: ACMG Guidelines, 2015. Collection method: clinical testing. Allele origin: germline.
Comment: The FRAS1 c.395C>T variant is predicted to result in the amino acid substitution p.Pro132Leu. To our knowledge, this variant has not been reported in the literature. This variant is reported in 0.025% of alleles in individuals of African descent in gnomAD. At this time, the clinical significance of this variant is uncertain due to the absence of conclusive functional and genetic evidence.

Labcorp Genetics (formerly Invitae), Labcorp
Classification: Uncertain significance. Last evaluated: 2022-08-06. Review status: criteria provided, single submitter. Criteria: Invitae Variant Classification Sherloc (09022015). Collection method: clinical testing. Allele origin: germline.
Comment: This sequence change replaces proline, which is neutral and non-polar, with leucine, which is neutral and non-polar, at codon 132 of the FRAS1 protein (p.Pro132Leu). This variant is present in population databases (rs376122558, gnomAD 0.02%). This variant has not been reported in the literature in individuals affected with FRAS1-related conditions. ClinVar contains an entry for this variant (Variation ID: 349658). Algorithms developed to predict the effect of missense changes on protein structure and function output the following: SIFT: "Tolerated"; PolyPhen-2: "Benign"; Align-GVGD: "Class C0". The leucine amino acid residue is found in multiple mammalian species, which suggests that this missense change does not adversely affect protein function. In summary, the available evidence is currently insufficient to determine the role of this variant in disease. Therefore, it has been classified as a Variant of Uncertain Significance.

GeneDx
Classification: Uncertain significance. Last evaluated: 2022-06-29. Review status: criteria provided, single submitter. Criteria: GeneDx Variant Classification Process June 2021. Collection method: clinical testing. Allele origin: germline. Affected: yes.
Comment: In silico analysis, which includes protein predictors and evolutionary conservation, supports a deleterious effect; Has not been previously published as pathogenic or benign to our knowledge

Fulgent Genetics
Classification: Uncertain significance for Fraser syndrome 1. Last evaluated: 2022-04-30. Review status: criteria provided, single submitter. Criteria: ACMG Guidelines, 2015. Collection method: clinical testing. Allele origin: unknown.

Illumina Laboratory Services, Illumina
Classification: Uncertain significance for Fraser syndrome 1. Last evaluated: 2018-01-12. Review status: criteria provided, single submitter. Criteria: ICSL Variant Classification Criteria 13 December 2019. Collection method: clinical testing. Allele origin: germline.